The following is an entry in ClinVar:

ClinVar aggregate classification (germline): Conflicting classifications of pathogenicity. Review status: criteria provided, conflicting classifications (1 of 4 stars). 2 submissions from 2 submitters: Uncertain significance (1); Likely benign (1). Last evaluated 2025-11-14.

Conditions:
Marinesco-Sjögren syndrome (MSS). Also called: Marinesco-Sjogren Syndrome; Marinesco-SjÃ¶gren syndrome. Identifiers: Orphanet 559, MedGen C0024814, MONDO:0009567, OMIM 248800.

Allele frequency attached by ClinVar (database versions not stated): TOPMed below 0.00001; ExAC 0.00001; gnomAD 0.00001; gnomAD exomes 0.00001 and 0.00002.
gnomAD v4.1: 21 of 1,611,336 alleles (0.0013%); highest among the groups gnomAD compares: South Asian, 0.0033%; no homozygotes.

Submissions (2):

Labcorp Genetics (formerly Invitae), Labcorp
Classification: Likely benign for Marinesco-Sjögren syndrome. Last evaluated: 2025-11-14. Review status: criteria provided, single submitter. Criteria: Invitae Variant Classification Sherloc (09022015). Collection method: clinical testing. Allele origin: germline.

GeneDx
Classification: Uncertain significance. Last evaluated: 2021-04-20. Review status: criteria provided, single submitter. Criteria: GeneDx Variant Classification Process June 2021. Collection method: clinical testing. Allele origin: germline. Affected: yes.
Comment: Not observed at a significant frequency in large population cohorts (Lek et al., 2016); In silico analysis supports that this variant does not alter splicing; Has not been previously published as pathogenic or benign to our knowledge

NM_022464.5(SIL1):c.1005G>A (p.Leu335=)

Gene: SIL1 (SIL1 nucleotide exchange factor; minus strand). Cytogenetic location: 5q31.2.
Variant type: single nucleotide variant.
Coding change: c.1005G>A on transcript NM_022464.5 (MANE Select); coding-DNA position 1005, G replaced by A.
Protein change: p.Leu335=; no amino-acid change (leucine 335 retained).
Molecular consequence: synonymous variant.
Genome position (GRCh38, 1-based): chr5:138,951,195, C>T on the plus strand (G>A on the coding strand, the complement: SIL1 is on the minus strand). VCF-style: chr5-138951195-C-T. GRCh37 (hg19) VCF-style: chr5-138286884-C-T.
Other names: c.1005G>A, p.Leu335= (NM_001037633.2).
Identifiers: ClinVar variation 1302079 (VCV001302079.5), dbSNP rs751082361, ClinGen allele CA3432418.
Genomic context (GRCh38, chr5:138,951,195, plus strand): 5'-CAAACAAGAGGAGACTGGGTGGGCCTGGGCACTCACCTTCTCCGTGACCAGGTCGTAGAG[C>T]AGTGTGACCACGCGCACGGCGAGCACCTCCGTGCCCTTCTCCTGCACCAGGGTCCTCAGG-3'
Protein context (NP_071909.1, residues 325-345): TEVLAVRVVT[Leu335=]LYDLVTEKMF